The following is an entry in ClinVar:

NM_000038.6(APC):c.2158A>G (p.Met720Val)

Gene: APC (APC regulator of Wnt signaling pathway; plus strand). Cytogenetic location: 5q22.2.
Variant type: single nucleotide variant.
Coding change: c.2158A>G on transcript NM_000038.6 (MANE Select); coding-DNA position 2158, A replaced by G.
Protein change: p.Met720Val; replaces methionine 720 with valine.
Molecular consequence: missense variant.
Genome position (GRCh38, 1-based): chr5:112,837,752, A>G. VCF-style: chr5-112837752-A-G. GRCh37 (hg19) VCF-style: chr5-112173449-A-G.
Other names: c.2158A>G, p.Met720Val (NM_001127510.3, NM_001354895.2); c.2104A>G, p.Met702Val (NM_001127511.3); c.2212A>G, p.Met738Val (NM_001354896.2); c.2188A>G, p.Met730Val (NM_001354897.2); c.2083A>G, p.Met695Val (NM_001354898.2); c.2074A>G, p.Met692Val (NM_001354899.2); c.2035A>G, p.Met679Val (NM_001354900.2); c.1981A>G, p.Met661Val (NM_001354901.2); and 5 more; short protein forms M702V, M720V, M437V, M661V, M695V, M629V, M594V, M619V.
Identifiers: ClinVar variation 222966 (VCV000222966.15), dbSNP rs869025248, ClinGen allele CA352158.

ClinVar aggregate classification (germline): Uncertain significance. Review status: criteria provided, multiple submitters, no conflicts (2 of 4 stars). 6 submissions from 6 submitters: Uncertain significance (5). 1 of the submissions does not count toward it. Last evaluated 2025-12-29.

Conditions:
Hereditary cancer-predisposing syndrome. Also called: Neoplastic Syndromes, Hereditary; Hereditary neoplastic syndrome; Tumor predisposition; Hereditary Cancer Syndrome. Identifiers: Orphanet 140162, MedGen C0027672, MeSH D009386, MONDO:0015356.
Monoclonal B-Cell Lymphocytosis. Identifiers: MedGen C2698259.
Familial adenomatous polyposis 1 (FAP1). Also called: FAMILIAL ADENOMATOUS POLYPOSIS 1, ATTENUATED; POLYPOSIS, ADENOMATOUS INTESTINAL. Identifiers: MedGen C2713442, MONDO:0021056, OMIM 175100. Disease mechanism: loss of function.

Allele frequency attached by ClinVar (database versions not stated): gnomAD exomes below 0.00001.
gnomAD v4.1: 2 of 1,614,094 alleles (0.00012%); highest among the groups gnomAD compares: South Asian, 0.0011%; no homozygotes.

Submissions (6):

Center for Genomic Medicine, Rigshospitalet, Copenhagen University Hospital
Classification: Uncertain significance. Last evaluated: 2025-12-29. Review status: criteria provided, single submitter. Criteria: ACMG Guidelines, 2015. Collection method: clinical testing. Allele origin: germline.
Comment: Classification criteria: BP1

Ambry Genetics
Classification: Uncertain significance for Hereditary cancer-predisposing syndrome. Last evaluated: 2025-09-25. Review status: criteria provided, single submitter. Criteria: Ambry Variant Classification Scheme 2023. Collection method: clinical testing. Allele origin: germline.
Comment: The p.M720V variant (also known as c.2158A>G), located in coding exon 15 of the APC gene, results from an A to G substitution at nucleotide position 2158. The methionine at codon 720 is replaced by valine, an amino acid with highly similar properties. This amino acid position is highly conserved in available vertebrate species. In addition, in silico predictors for this gene do not accurately predict pathogenicity. Missense variants in APC are not a common cause of disease (Spier I et al. Genet Med. 2024 Feb;26(2):100992). Based on the available evidence, the clinical significance of this variant remains unclear.

Quest Diagnostics Nichols Institute San Juan Capistrano
Classification: Uncertain significance. Last evaluated: 2025-01-30. Review status: criteria provided, single submitter. Criteria: Quest Diagnostics criteria. Collection method: clinical testing. Allele origin: unknown.
Comment: The APC c.2158A>G (p.Met720Val) variant has not been reported in the germline of individuals with APC-related conditions in the published literature. The frequency of this variant in the general population (Genome Aggregation Database) is uninformative in the assessment of its pathogenicity. Analysis of this variant using bioinformatics tools for the prediction of the effect of amino acid changes on protein structure and function yielded predictions that this variant is damaging. Based on the available information, we are unable to determine the clinical significance of this variant.

Color Diagnostics, LLC DBA Color Health
Classification: Uncertain significance for Hereditary cancer-predisposing syndrome. Last evaluated: 2022-07-08. Review status: criteria provided, single submitter. Criteria: ACMG Guidelines, 2015. Collection method: clinical testing. Allele origin: germline.
Comment: This missense variant replaces methionine with valine at codon 720 of the APC protein. Computational prediction is inconclusive regarding the impact of this variant on protein structure and function (internally defined REVEL score threshold 0.5 < inconclusive < 0.7, PMID: 27666373). To our knowledge, functional studies have not been reported for this variant. This variant has not been reported in individuals affected with hereditary cancer in the literature. This variant has been identified in 1/250430 chromosomes in the general population by the Genome Aggregation Database (gnomAD). The available evidence is insufficient to determine the role of this variant in disease conclusively. Therefore, this variant is classified as a Variant of Uncertain Significance.

Labcorp Genetics (formerly Invitae), Labcorp
Classification: Uncertain significance for Familial adenomatous polyposis 1. Last evaluated: 2022-03-26. Review status: criteria provided, single submitter. Criteria: Invitae Variant Classification Sherloc (09022015). Collection method: clinical testing. Allele origin: germline.
Comment: This sequence change replaces methionine, which is neutral and non-polar, with valine, which is neutral and non-polar, at codon 720 of the APC protein (p.Met720Val). In summary, the available evidence is currently insufficient to determine the role of this variant in disease. Therefore, it has been classified as a Variant of Uncertain Significance. Algorithms developed to predict the effect of missense changes on protein structure and function are either unavailable or do not agree on the potential impact of this missense change (SIFT: "Tolerated"; PolyPhen-2: "Possibly Damaging"; Align-GVGD: "Class C0"). ClinVar contains an entry for this variant (Variation ID: 222966). This variant has not been reported in the literature in individuals affected with APC-related conditions. This variant is present in population databases (no rsID available, gnomAD 0.0009%).

Karsan Lab, BC Cancer Agency
Classification: Uncertain significance for Monoclonal B-Cell Lymphocytosis. Last evaluated: 2015-12-15. Review status: no assertion criteria provided. Collection method: research. Allele origin: somatic. Affected: yes. Study: BCCA Personal OncoGenomics. Not counted in ClinVar's aggregate classification.

Literature cited by the submitters: PubMed 27148583 (cited by Quest Diagnostics Nichols Institute San Juan Capistrano).